The following is an entry in ClinVar:

NM_000051.4(ATM):c.8254_8261del (p.Ile2752fs)

Genes: ATM (ATM serine/threonine kinase; plus strand), C11orf65 (chromosome 11 open reading frame 65; minus strand). Cytogenetic location: 11q22.3.
Variant type: Deletion.
Coding change: c.8254_8261del on transcript NM_000051.4 (MANE Select); coding-DNA positions 8254 to 8261, 8 bases deleted (ATCTGTAC; older notation c.8254_8261delATCTGTAC).
Protein change: p.Ile2752fs; shifts the reading frame from isoleucine 2752.
Molecular consequence: frameshift variant. On other transcripts: intron variant (2).
Genome position (GRCh38, 1-based): chr11:108,335,947-108,335,954, ATCTGTAC deleted. VCF-style (leftmost placement, unchanged base first): chr11-108335946-TATCTGTAC-T. GRCh37 (hg19) VCF-style: chr11-108206673-TATCTGTAC-T.
Other names: c.8254_8261del, p.Ile2752fs (NM_001351834.2); c.641-26883_641-26876del (NM_001330368.2); c.695-662_695-655del (NM_001351110.2); short protein forms I2752fs.
Identifiers: ClinVar variation 4169869 (VCV004169869.1).

ClinVar aggregate classification (germline): Pathogenic (1 of 4 stars; one submission).

Conditions:
Hereditary cancer-predisposing syndrome. Also called: Neoplastic Syndromes, Hereditary; Tumor predisposition; Hereditary neoplastic syndrome; Hereditary Cancer Syndrome. Identifiers: Orphanet 140162, MedGen C0027672, MeSH D009386, MONDO:0015356.

Submission:

Ambry Genetics
Classification: Pathogenic for Hereditary cancer-predisposing syndrome. Last evaluated: 2025-08-04. Review status: criteria provided, single submitter. Criteria: Ambry Variant Classification Scheme 2023. Collection method: clinical testing. Allele origin: germline.
Comment: The c.8254_8261delATCTGTAC pathogenic mutation, located in coding exon 55 of the ATM gene, results from a deletion of 8 nucleotides at nucleotide positions 8254 to 8261, causing a translational frameshift with a predicted alternate stop codon (p.I2752Lfs*2). This variant is considered to be rare based on population cohorts in the Genome Aggregation Database (gnomAD). This alteration is expected to result in loss of function by premature protein truncation or nonsense-mediated mRNA decay. As such, this alteration is interpreted as a disease-causing mutation.